The following is an entry in ClinVar:

NM_033360.4(KRAS):c.-9C>T

Gene: KRAS (KRas proto-oncogene, GTPase; minus strand). Cytogenetic location: 12p12.1.
Variant type: single nucleotide variant.
Coding change: c.-9C>T on transcript NM_033360.4 (MANE Plus Clinical); 9 bases upstream of the start codon, C replaced by T.
Molecular consequence: 5 prime UTR variant.
Genome position (GRCh38, 1-based): chr12:25,245,393, G>A on the plus strand (C>T on the coding strand, the complement: KRAS is on the minus strand). VCF-style: chr12-25245393-G-A. GRCh37 (hg19) VCF-style: chr12-25398327-G-A.
Other names: c.-9C>T (LRG_344t2, NM_001369786.1, NM_001369787.1 and 2 more transcripts).
Identifiers: ClinVar variation 383816 (VCV000383816.3), dbSNP rs370230526, ClinGen allele CA6486940.

ClinVar aggregate classification (germline): Likely benign. Review status: criteria provided, multiple submitters, no conflicts (2 of 4 stars). 3 submissions from 3 submitters: Likely benign (3). Last evaluated 2024-10-31.

Allele frequency attached by ClinVar (database versions not stated): gnomAD 0.00001 and 0.00002; TOPMed 0.00002; gnomAD exomes 0.00006; ESP Exome Variant Server 0.00008; ExAC 0.00010.
gnomAD v4.1: 96 of 1,603,660 alleles (0.006%); highest among the groups gnomAD compares: South Asian, 0.026%; 1 homozygote.

Submissions (3):

Blueprint Genetics
Classification: Likely benign. Last evaluated: 2024-10-31. Review status: criteria provided, single submitter. Criteria: ACMG Guidelines, 2015. Collection method: clinical testing. Allele origin: germline.

GeneDx
Classification: Likely benign. Last evaluated: 2017-03-02. Review status: criteria provided, single submitter. Criteria: GeneDx Variant Classification (06012015). Collection method: clinical testing. Allele origin: germline. Affected: yes.
Comment: This variant is considered likely benign or benign based on one or more of the following criteria: it is a conservative change, it occurs at a poorly conserved position in the protein, it is predicted to be benign by multiple in silico algorithms, and/or has population frequency not consistent with disease.

Breakthrough Genomics
Classification: Likely benign. Review status: criteria provided, single submitter. Criteria: ACMG Guidelines, 2015. Collection method: not provided. Allele origin: germline. Inheritance: Autosomal dominant inheritance. Affected: yes.